The following is an entry in ClinVar:

NM_002547.3(OPHN1):c.772C>T (p.Gln258Ter)

Gene: OPHN1 (oligophrenin 1; minus strand). Cytogenetic location: Xq12.
Variant type: single nucleotide variant.
Coding change: c.772C>T on transcript NM_002547.3 (MANE Select); coding-DNA position 772, C replaced by T.
Protein change: p.Gln258Ter; replaces glutamine 258 with a stop codon.
Molecular consequence: nonsense.
Genome position (GRCh38, 1-based): chrX:68,210,213, G>A on the plus strand (C>T on the coding strand, the complement: OPHN1 is on the minus strand). VCF-style: chrX-68210213-G-A. GRCh37 (hg19) VCF-style: chrX-67430055-G-A.
Other names: short protein forms Q258*.
Identifiers: ClinVar variation 3656943 (VCV003656943.2).

ClinVar aggregate classification (germline): Pathogenic (1 of 4 stars; one submission).

Submission:

Labcorp Genetics (formerly Invitae), Labcorp
Classification: Pathogenic. Last evaluated: 2024-06-28. Review status: criteria provided, single submitter. Criteria: Invitae Variant Classification Sherloc (09022015). Collection method: clinical testing. Allele origin: germline.
Comment: This sequence change creates a premature translational stop signal (p.Gln258*) in the OPHN1 gene. It is expected to result in an absent or disrupted protein product. Loss-of-function variants in OPHN1 are known to be pathogenic (PMID: 12807966). This variant is not present in population databases (gnomAD no frequency). This variant has not been reported in the literature in individuals affected with OPHN1-related conditions. For these reasons, this variant has been classified as Pathogenic.

Literature cited by the submitters: PubMed 12807966.